The following is an entry in ClinVar:

ClinVar aggregate classification (germline): Uncertain significance. Review status: criteria provided, multiple submitters, no conflicts (2 of 4 stars). 2 submissions from 2 submitters: Uncertain significance (2). Last evaluated 2023-09-17.

Conditions:
Tuberous sclerosis syndrome (TSC). Also called: Tuberous sclerosis; Tuberous Sclerosis Complex. Identifiers: Orphanet 805, MedGen C0041341, MONDO:0001734.
Tuberous sclerosis 2 (TSC2). Identifiers: Orphanet 805, MedGen C1860707, MONDO:0013199, OMIM 613254.

Allele frequency attached by ClinVar (database versions not stated): gnomAD exomes below 0.00001.
gnomAD v4.1: 1 of 1,613,566 alleles (0.000062%); highest among the groups gnomAD compares: Non-Finnish European, 0.000085%; no homozygotes.

Submissions (2):

All of Us Research Program, National Institutes of Health
Classification: Uncertain significance for Tuberous sclerosis syndrome. Last evaluated: 2023-09-17. Review status: criteria provided, single submitter. Criteria: ACMG Guidelines, 2015. Collection method: clinical testing. Allele origin: germline. Inheritance: Autosomal dominant inheritance. Observed: 1 variant allele, 1 heterozygote.
Comment: This missense variant replaces proline with arginine at codon 632 of the TSC2 protein. Computational prediction suggests that this variant may have deleterious impact on protein structure and function (internally defined REVEL score threshold >= 0.7, PMID: 27666373). To our knowledge, functional studies have not been reported for this variant. This variant has not been reported in individuals affected with TSC2-related disorders in the literature. This variant has not been identified in the general population by the Genome Aggregation Database (gnomAD). The available evidence is insufficient to determine the role of this variant in disease conclusively. Therefore, this variant is classified as a Variant of Uncertain Significance.

This study involves interpretation of variants in research participants for the purpose of population health screening. Participant phenotype was not available at the time of variant classification. Additional details can be found in publication PMID: 35346344, PMCID: PMC8962531

Labcorp Genetics (formerly Invitae), Labcorp
Classification: Uncertain significance for Tuberous sclerosis 2. Last evaluated: 2019-09-13. Review status: criteria provided, single submitter. Criteria: Invitae Variant Classification Sherloc (09022015). Collection method: clinical testing. Allele origin: germline.
Comment: In summary, the available evidence is currently insufficient to determine the role of this variant in disease. Therefore, it has been classified as a Variant of Uncertain Significance. Algorithms developed to predict the effect of missense changes on protein structure and function are either unavailable or do not agree on the potential impact of this missense change (SIFT: "Deleterious"; PolyPhen-2: "Possibly Damaging"; Align-GVGD: "Class C0"). This variant has not been reported in the literature in individuals with TSC2-related conditions. This variant is not present in population databases (ExAC no frequency). This sequence change replaces proline with arginine at codon 632 of the TSC2 protein (p.Pro632Arg). The proline residue is highly conserved and there is a moderate physicochemical difference between proline and arginine.

NM_000548.5(TSC2):c.1895C>G (p.Pro632Arg)

Gene: TSC2 (TSC complex subunit 2; plus strand). Cytogenetic location: 16p13.3.
Variant type: single nucleotide variant.
Coding change: c.1895C>G on transcript NM_000548.5 (MANE Select); coding-DNA position 1895, C replaced by G.
Protein change: p.Pro632Arg; replaces proline 632 with arginine.
Molecular consequence: missense variant.
Genome position (GRCh38, 1-based): chr16:2,071,565, C>G. VCF-style: chr16-2071565-C-G. GRCh37 (hg19) VCF-style: chr16-2121566-C-G.
Other names: c.1895C>G, p.Pro632Arg (NM_001077183.3, NM_001114382.3, NM_001363528.2 and 3 more transcripts); c.1784C>G, p.Pro595Arg (NM_001318827.2); c.1748C>G, p.Pro583Arg (NM_001318829.2); c.1295C>G, p.Pro432Arg (NM_001318831.2); c.1928C>G, p.Pro643Arg (NM_001318832.2); short protein forms P632R, P432R, P583R, P595R, P643R.
Identifiers: ClinVar variation 938158 (VCV000938158.10), dbSNP rs750663771, ClinGen allele CA394273142.